The following is an entry in ClinVar:

ClinVar aggregate classification (germline): Pathogenic (1 of 4 stars; one submission).

Submission:

GeneDx
Classification: Pathogenic. Last evaluated: 2017-05-04. Review status: criteria provided, single submitter. Criteria: GeneDx Variant Classification (06012015). Collection method: clinical testing. Allele origin: germline. Affected: yes.
Comment: The c.1071 A>C (K357N) variant has not been published as a pathogenic variant, nor has it been reported as a benign variant to our knowledge. The variant is not observed in large population cohorts (Lek et al., 2016; 1000 Genomes Consortium et al., 2015; Exome Variant Server). K357N is a semi-conservative amino acid substitution, which may impact secondary protein structure as these residues differ in some properties. This substitution occurs at a position within the NACHT domain that is conserved in mammals; this domain is a major locus for CAPS-associated pathogenic variants (Masters et al., 2009). In silico analysis is inconsistent in its predictions as to whether or not the variant is damaging to the protein structure/function. However, a distinct nucleotide change leading to the same missense variant, c.1071 A>T (K357N), has been reported in in the Human Gene Mutation Database in association with NOMID/CINCA syndrome (Stenson et al., 2014). Functional studies have shown that the c.1071 A>T variant causes increased rates of THP-1 cell death and ASC-dependent NF-kB activation (Tanaka et al., 2011). Additionally, other missense variants in the same codon (K357T) and in nearby residues (V353L/M, A354T/V, L355P, E356D, H360R, L361V) have been reported in the Human Gene Mutation Database in association with NLRP3-related disorders (Stenson et al., 2014), supporting the functional importance of this region of the protein. In summary, we consider the c.1071 A>C (K357N) variant to be pathogenic.

NM_001243133.2(NLRP3):c.1065A>C (p.Lys355Asn)

Gene: NLRP3 (NLR family pyrin domain containing 3; plus strand). Cytogenetic location: 1q44.
Variant type: single nucleotide variant.
Coding change: c.1065A>C on transcript NM_001243133.2 (MANE Select); coding-DNA position 1065, A replaced by C.
Protein change: p.Lys355Asn; replaces lysine 355 with asparagine.
Molecular consequence: missense variant.
Genome position (GRCh38, 1-based): chr1:247,424,514, A>C. VCF-style: chr1-247424514-A-C. GRCh37 (hg19) VCF-style: chr1-247587816-A-C.
Other names: c.1065A>C, p.Lys355Asn (NM_001079821.3, NM_001127461.3, NM_001127462.3 and 1 more transcripts); c.1071A>C, p.Lys357Asn (NM_004895.5); short protein forms K357N, K355N.
Identifiers: ClinVar variation 429285 (VCV000429285.2), dbSNP rs1131691298, ClinGen allele CA345556009.
Genomic context (GRCh38, chr1:247,424,514, plus strand): 5'-AAAGAAGCTGCTTCCCGAGGCCTCTCTGCTCATCACCACGAGACCTGTGGCCCTGGAGAA[A>C]CTGCAGCACTTGCTGGACCATCCTCGGCATGTGGAGATCCTGGGTTTCTCCGAGGCCAAA-3'
Protein context (NP_001230062.1, residues 345-365): LITTRPVALE[Lys355Asn]LQHLLDHPRH